The following is an entry in ClinVar:

NM_000124.4(ERCC6):c.107G>A (p.Gly36Asp)

Gene: ERCC6 (ERCC excision repair 6, chromatin remodeling factor; minus strand). Cytogenetic location: 10q11.23.
Variant type: single nucleotide variant.
Coding change: c.107G>A on transcript NM_000124.4 (MANE Select); coding-DNA position 107, G replaced by A.
Protein change: p.Gly36Asp; replaces glycine 36 with aspartic acid.
Molecular consequence: missense variant.
Genome position (GRCh38, 1-based): chr10:49,532,858, C>T on the plus strand (G>A on the coding strand, the complement: ERCC6 is on the minus strand). VCF-style: chr10-49532858-C-T. GRCh37 (hg19) VCF-style: chr10-50740904-C-T.
Other names: c.107G>A, p.Gly36Asp (NM_001277058.2, NM_001277059.2, NM_001346440.2); short protein forms G36D.
Identifiers: ClinVar variation 2182128 (VCV002182128.1), dbSNP rs760171089, ClinGen allele CA5496622.

ClinVar aggregate classification (germline): Uncertain significance (1 of 4 stars; one submission).

Allele frequency attached by ClinVar (database versions not stated): ExAC 0.00002; TOPMed 0.00006; gnomAD 0.00007.
gnomAD v4.1: 15 of 1,614,116 alleles (0.00093%); highest among the groups gnomAD compares: African/African-American, 0.02%; no homozygotes.

Submission:

Labcorp Genetics (formerly Invitae), Labcorp
Classification: Uncertain significance. Last evaluated: 2022-05-24. Review status: criteria provided, single submitter. Criteria: Invitae Variant Classification Sherloc (09022015). Collection method: clinical testing. Allele origin: germline.
Comment: This sequence change replaces glycine, which is neutral and non-polar, with aspartic acid, which is acidic and polar, at codon 36 of the ERCC6 protein (p.Gly36Asp). This variant is present in population databases (rs760171089, gnomAD 0.03%). This variant has not been reported in the literature in individuals affected with ERCC6-related conditions. Algorithms developed to predict the effect of missense changes on protein structure and function output the following: SIFT: "Tolerated"; PolyPhen-2: "Benign"; Align-GVGD: "Class C0". The aspartic acid amino acid residue is found in multiple mammalian species, which suggests that this missense change does not adversely affect protein function. In summary, the available evidence is currently insufficient to determine the role of this variant in disease. Therefore, it has been classified as a Variant of Uncertain Significance.